The following is an entry in ClinVar:

NM_000263.4(NAGLU):c.377C>T (p.Pro126Leu)

Gene: NAGLU (N-acetyl-alpha-glucosaminidase; plus strand). Cytogenetic location: 17q21.2.
Variant type: single nucleotide variant.
Coding change: c.377C>T on transcript NM_000263.4 (MANE Select); coding-DNA position 377, C replaced by T.
Protein change: p.Pro126Leu; replaces proline 126 with leucine.
Molecular consequence: missense variant.
Genome position (GRCh38, 1-based): chr17:42,536,649, C>T. VCF-style: chr17-42536649-C-T. GRCh37 (hg19) VCF-style: chr17-40688667-C-T.
Other names: short protein forms P126L.
Identifiers: ClinVar variation 2947204 (VCV002947204.3), dbSNP rs2092907140, ClinGen allele CA399596410.

ClinVar aggregate classification (germline): Uncertain significance (1 of 4 stars; one submission).

Conditions:
Charcot-Marie-Tooth disease axonal type 2V. Also called: CHARCOT-MARIE-TOOTH NEUROPATHY, TYPE 2V; CHARCOT-MARIE-TOOTH DISEASE, AXONAL, AUTOSOMAL DOMINANT, TYPE 2V. Identifiers: Orphanet 447964, MedGen C5569050, MONDO:0014665, OMIM 616491.
Mucopolysaccharidosis, MPS-III-B (MPS3B). Also called: N-ACETYL-ALPHA-D-GLUCOSAMINIDASE DEFICIENCY; NAGLU DEFICIENCY; SANFILIPPO SYNDROME B; MPS III B; Mucopolysaccharidosis type IIIB (Sanfilippo B); MUCOPOLYSACCHARIDOSIS, TYPE IIIB. Identifiers: Orphanet 79270, MedGen C0086648, MONDO:0009656, OMIM 252920.

Allele frequency attached by ClinVar (database versions not stated): gnomAD 0.00001.

Submission:

Labcorp Genetics (formerly Invitae), Labcorp
Classification: Uncertain significance for Charcot-Marie-Tooth disease axonal type 2V; Mucopolysaccharidosis, MPS-III-B. Last evaluated: 2024-09-05. Review status: criteria provided, single submitter. Criteria: Invitae Variant Classification Sherloc (09022015). Collection method: clinical testing. Allele origin: germline.
Comment: This sequence change replaces proline, which is neutral and non-polar, with leucine, which is neutral and non-polar, at codon 126 of the NAGLU protein (p.Pro126Leu). This variant is not present in population databases (gnomAD no frequency). This variant has not been reported in the literature in individuals affected with NAGLU-related conditions. Invitae Evidence Modeling of protein sequence and biophysical properties (such as structural, functional, and spatial information, amino acid conservation, physicochemical variation, residue mobility, and thermodynamic stability) indicates that this missense variant is expected to disrupt NAGLU protein function with a positive predictive value of 80%. In summary, the available evidence is currently insufficient to determine the role of this variant in disease. Therefore, it has been classified as a Variant of Uncertain Significance.